The following is an entry in ClinVar:

ClinVar aggregate classification (germline): Uncertain significance (1 of 4 stars; one submission).

Submission:

Labcorp Genetics (formerly Invitae), Labcorp
Classification: Uncertain significance. Last evaluated: 2017-11-19. Review status: criteria provided, single submitter. Criteria: Invitae Variant Classification Sherloc (09022015). Collection method: clinical testing. Allele origin: germline.
Comment: In summary, this is a novel, partial duplication of PARK2. ¬†Whether the additional copy of these exons occurs in tandem is unknown, and the impact on PARK2 gene function is uncertain. For these reasons, it has been classified as a Variant of Uncertain Significance. This duplication has not been reported in individuals with a PARK2-related disease. This variant is a gross duplication of the genomic region encompassing exons 5-12 of the PARK2 gene. The 5' boundary is likely confined to intron 4. The 3' end of this event is unknown as it extends beyond the assayed region for this gene and therefore may encompass additional genes.

NC_000006.11:g.(?_161771125)_(162475212_?)dup

Gene: PRKN (parkin RBR E3 ubiquitin protein ligase; minus strand). Cytogenetic location: 6q26.
Variant type: Duplication.
Identifiers: ClinVar variation 1024590 (VCV001024590.7).